The following is an entry in ClinVar:

NM_018897.3(DNAH7):c.10799G>A (p.Trp3600Ter)

Gene: DNAH7 (dynein axonemal heavy chain 7; minus strand). Cytogenetic location: 2q32.3.
Variant type: single nucleotide variant.
Coding change: c.10799G>A on transcript NM_018897.3 (MANE Select); coding-DNA position 10799, G replaced by A.
Protein change: p.Trp3600Ter; replaces tryptophan 3600 with a stop codon.
Molecular consequence: nonsense.
Genome position (GRCh38, 1-based): chr2:195,787,089, C>T on the plus strand (G>A on the coding strand, the complement: DNAH7 is on the minus strand). VCF-style: chr2-195787089-C-T. GRCh37 (hg19) VCF-style: chr2-196651813-C-T.
Other names: short protein forms W3600*.
Identifiers: ClinVar variation 4845917 (VCV004845917.1).

ClinVar aggregate classification (germline): Likely pathogenic (1 of 4 stars; one submission).

Conditions:
Ciliary dyskinesia, primary, 50 (CILD50). Identifiers: MedGen C5830473, MONDO:0957252, OMIM 620356.

gnomAD v4.1: 5 of 1,612,596 alleles (0.00031%); highest among the groups gnomAD compares: Non-Finnish European, 0.00034%; no homozygotes.

Submission:

First Genomix Gene Laboratory, Genetic Diagnostics Department
Classification: Likely pathogenic for Ciliary dyskinesia, primary, 50. Last evaluated: 2025-04-30. Review status: criteria provided, single submitter. Criteria: ACMG Guidelines, 2015. Collection method: clinical testing. Allele origin: germline. Inheritance: Autosomal recessive inheritance. Affected: no. Observed: 1 variant allele.